The following is an entry in ClinVar:

NM_024079.5(ALG8):c.1354G>T (p.Glu452Ter)

Gene: ALG8 (ALG8 alpha-1,3-glucosyltransferase; minus strand). Cytogenetic location: 11q14.1.
Variant type: single nucleotide variant.
Coding change: c.1354G>T on transcript NM_024079.5 (MANE Select); coding-DNA position 1354, G replaced by T.
Protein change: p.Glu452Ter; replaces glutamic acid 452 with a stop codon.
Molecular consequence: nonsense. On other transcripts: 3 prime UTR variant (5), missense variant (2), non-coding transcript variant (2), splice acceptor variant (1).
Genome position (GRCh38, 1-based): chr11:78,101,191, C>A on the plus strand (G>T on the coding strand, the complement: ALG8 is on the minus strand). VCF-style: chr11-78101191-C-A. GRCh37 (hg19) VCF-style: chr11-77812237-C-A.
Other names: c.*21G>T (NM_001425230.1); c.1153G>T, p.Glu385Ter (NM_001425231.1); c.1093G>T, p.Glu365Ter (NM_001425233.1); c.1090G>T, p.Glu364Ter (NM_001425234.1); c.1027G>T, p.Glu343Ter (NM_001425235.1); c.*25G>T (NM_001425236.1, NM_001425237.1, NM_001425239.1 and 1 more transcripts); c.970G>T, p.Glu324Ter (NM_001425238.1); c.862G>T, p.Glu288Ter (NM_001425240.1); and 15 more; short protein forms E288*, E343*, E394*, E453*, E427*, E450*, E452*, E460*.
Identifiers: ClinVar variation 3574028 (VCV003574028.3).
Genomic context (GRCh38, chr11:78,101,191, plus strand): 5'-CTTCCAGAGGCCCCAGGCCAAGCAGGTAGAAAGTTTCCATCCAATTAAAAAGAGGTTTTT[C>A]TTTTCTGAAGGAAAAAAGAGAGAAAAGTCTGATTTTAGATGAGTCATCCTGGTTTAGCAA-3'

ClinVar aggregate classification (germline): Likely pathogenic. Review status: criteria provided, multiple submitters, no conflicts (2 of 4 stars). 2 submissions from 2 submitters: Likely pathogenic (2). Last evaluated 2025-12-19.

Conditions:
Polycystic liver disease 3 with or without kidney cysts. Identifiers: MedGen C4693472, MONDO:0054743, OMIM 617874.
ALG8 congenital disorder of glycosylation. Also called: CONGENITAL DISORDER OF GLYCOSYLATION, TYPE Ih; CDG Ih; ALG8-CDG. Identifiers: Orphanet 79325, MedGen C2931002, MONDO:0011969, OMIM 608104.

Submissions (2):

Dasa
Classification: Likely pathogenic for Polycystic liver disease 3 with or without kidney cysts. Last evaluated: 2025-12-19. Review status: criteria provided, single submitter. Criteria: DASA Assertion Criteria. Collection method: clinical testing. Allele origin: germline.
Comment: NM_024079.5(ALG8):c.1354G>T (p.Glu452*) is a nonsense variant in ALG8 predicted to introduce a premature termination codon and is predicted to result in an absent or altered protein product. Loss of function is an established disease mechanism for ALG8-associated disorders. Also, this variant is rare in population databases. Based on the currently available evidence, this variant is classified as likely pathogenic.

Fulgent Genetics
Classification: Likely pathogenic for ALG8 congenital disorder of glycosylation; Polycystic liver disease 3 with or without kidney cysts. Last evaluated: 2024-02-12. Review status: criteria provided, single submitter. Criteria: ACMG Guidelines, 2015. Collection method: clinical testing. Allele origin: germline.